The following is an entry in ClinVar:

NM_012310.5(KIF4A):c.1922G>A (p.Arg641Gln)

Gene: KIF4A (kinesin family member 4A; plus strand). Cytogenetic location: Xq13.1.
Variant type: single nucleotide variant.
Coding change: c.1922G>A on transcript NM_012310.5 (MANE Select); coding-DNA position 1922, G replaced by A.
Protein change: p.Arg641Gln; replaces arginine 641 with glutamine.
Molecular consequence: missense variant.
Genome position (GRCh38, 1-based): chrX:70,375,347, G>A. VCF-style: chrX-70375347-G-A. GRCh37 (hg19) VCF-style: chrX-69595197-G-A.
Other names: short protein forms R641Q.
Identifiers: ClinVar variation 2372075 (VCV002372075.20), dbSNP rs1172275787, ClinGen allele CA413480671.

ClinVar aggregate classification (germline): Uncertain significance. Review status: criteria provided, multiple submitters, no conflicts (2 of 4 stars). 2 submissions from 2 submitters: Uncertain significance (2). Last evaluated 2025-05-05.

Allele frequency attached by ClinVar (database versions not stated): TOPMed below 0.00001; gnomAD 0.00002; gnomAD exomes 0.00003.
gnomAD v4.1: 31 of 1,206,043 alleles (0.0026%); highest among the groups gnomAD compares: Non-Finnish European, 0.0034%; no homozygotes.

Submissions (2):

Ambry Genetics
Classification: Uncertain significance. Last evaluated: 2025-05-05. Review status: criteria provided, single submitter. Criteria: Ambry Variant Classification Scheme 2023. Collection method: clinical testing. Allele origin: germline.

CeGaT Center for Human Genetics Tuebingen
Classification: Uncertain significance. Last evaluated: 2024-06-01. Review status: criteria provided, single submitter. Criteria: CeGaT Center For Human Genetics Tuebingen Variant Classification Criteria Version 2. Collection method: clinical testing. Allele origin: germline. Affected: yes. Observed: 1 variant allele.
Comment: KIF4A: PM2, BP4